The following is an entry in ClinVar:

ClinVar aggregate classification (germline): Pathogenic. Review status: criteria provided, single submitter (1 of 4 stars). 2 submissions from 1 submitter: Pathogenic (1). 1 of the submissions does not count toward it. Last evaluated 2024-03-17.

Conditions:
Infantile nephronophthisis (NPHP2). Also called: Nephronophthisis 2; Nephronophthisis 2, infantile. Identifiers: Orphanet 655, Orphanet 93591, MedGen C1865872, MONDO:0011190, OMIM 602088.

Submissions (2):

Genomic Medicine Center of Excellence, King Faisal Specialist Hospital and Research Centre
Classification: Pathogenic for Infantile nephronophthisis. Last evaluated: 2024-03-17. Review status: criteria provided, single submitter. Criteria: ACMG Guidelines, 2015. Collection method: research. Allele origin: germline.

Genomic Medicine Center of Excellence, King Faisal Specialist Hospital and Research Centre
Classification: Pathogenic for Infantile nephronophthisis. Last evaluated: 2021-04-29. Review status: flagged submission. Collection method: research. Allele origin: germline. Affected: no. Not counted in ClinVar's aggregate classification.
ClinVar note: Reason: This record appears to be redundant with a more recent record from the same submitter.
ClinVar note: Notes: SCV001870483 appears to be redundant with SCV004804855.

NM_014425.5(INVS):c.753T>G (p.Tyr251Ter)

Gene: INVS (inversin; plus strand). Cytogenetic location: 9q31.1.
Variant type: single nucleotide variant.
Coding change: c.753T>G on transcript NM_014425.5 (MANE Select); coding-DNA position 753, T replaced by G.
Protein change: p.Tyr251Ter; replaces tyrosine 251 with a stop codon.
Molecular consequence: nonsense. On other transcripts: 5 prime UTR variant (1), non-coding transcript variant (1).
Genome position (GRCh38, 1-based): chr9:100,240,197, T>G. VCF-style: chr9-100240197-T-G. GRCh37 (hg19) VCF-style: chr9-103002479-T-G.
Other names: c.465T>G, p.Tyr155Ter (NM_001318381.2); c.-237T>G (NM_001318382.2); short protein forms Y155*, Y251*.
Identifiers: ClinVar variation 1252044 (VCV001252044.18), dbSNP rs2118494165, ClinGen allele CA374361756.